The following is an entry in ClinVar:

NC_000023.11:g.(?_31773950)_(31932237_?)dup

Gene: DMD (dystrophin; minus strand). Cytogenetic location: Xp21.1.
Variant type: Duplication.
Identifiers: ClinVar variation 830992 (VCV000830992.7).

ClinVar aggregate classification (germline): Pathogenic (1 of 4 stars; one submission).

Conditions:
Duchenne muscular dystrophy (DMD). Also called: Duchenne Muscular Dystrophy (DMD); MUSCULAR DYSTROPHY, PSEUDOHYPERTROPHIC PROGRESSIVE, DUCHENNE TYPE. Identifiers: Orphanet 98896, MedGen C0013264, MONDO:0010679, OMIM 310200.

Submission:

Labcorp Genetics (formerly Invitae), Labcorp
Classification: Pathogenic for Duchenne muscular dystrophy. Last evaluated: 2021-08-12. Review status: criteria provided, single submitter. Criteria: Invitae Variant Classification Sherloc (09022015). Collection method: clinical testing. Allele origin: germline.
Comment: This variant results in a copy number gain of the genomic region encompassing exon(s) 46-51 of the DMD gene. While the exact position of this variant cannot be determined from the data, sub-genic copy number gains are generally in tandem (PMID: 25640679). This variant is predicted to be out-of-frame, and may result in an absent or disrupted protein product. Loss-of-function variants in DMD are known to be pathogenic (PMID: 16770791, 25007885). A similar copy number variant has been observed in individuals with Duchenne muscular dystrophy (PMID: 17854090, 27750387). For these reasons, this variant has been classified as Pathogenic.

Literature cited by the submitters: PubMed 25640679; PubMed 16770791; PubMed 25007885; PubMed 17854090; PubMed 27750387.